The following is an entry in ClinVar:

ClinVar aggregate classification (germline): Uncertain significance (1 of 4 stars; one submission).

Conditions:
T-B+ severe combined immunodeficiency due to JAK3 deficiency. Also called: SCID, T CELL-NEGATIVE, B CELL-POSITIVE, NK CELL-NEGATIVE; SCID, autosomal recessive, T-negative/B-positive type. Identifiers: Orphanet 35078, MedGen C1833275, MONDO:0010938, OMIM 600802.

Allele frequency attached by ClinVar (database versions not stated): gnomAD exomes below 0.00001; ExAC 0.00001; TOPMed 0.00001.

Submission:

Labcorp Genetics (formerly Invitae), Labcorp
Classification: Uncertain significance for T-B+ severe combined immunodeficiency due to JAK3 deficiency. Last evaluated: 2022-02-28. Review status: criteria provided, single submitter. Criteria: Invitae Variant Classification Sherloc (09022015). Collection method: clinical testing. Allele origin: germline.
Comment: This sequence change replaces arginine, which is basic and polar, with histidine, which is basic and polar, at codon 316 of the JAK3 protein (p.Arg316His). This variant is present in population databases (rs778229078, gnomAD 0.0009%). This variant has not been reported in the literature in individuals affected with JAK3-related conditions. ClinVar contains an entry for this variant (Variation ID: 857073). Algorithms developed to predict the effect of missense changes on protein structure and function are either unavailable or do not agree on the potential impact of this missense change (SIFT: "Deleterious"; PolyPhen-2: "Probably Damaging"; Align-GVGD: "Class C0"). In summary, the available evidence is currently insufficient to determine the role of this variant in disease. Therefore, it has been classified as a Variant of Uncertain Significance.

NM_000215.4(JAK3):c.947G>A (p.Arg316His)

Gene: JAK3 (Janus kinase 3; minus strand). Cytogenetic location: 19p13.11.
Variant type: single nucleotide variant.
Coding change: c.947G>A on transcript NM_000215.4 (MANE Select); coding-DNA position 947, G replaced by A.
Protein change: p.Arg316His; replaces arginine 316 with histidine.
Molecular consequence: missense variant.
Genome position (GRCh38, 1-based): chr19:17,841,677, C>T on the plus strand (G>A on the coding strand, the complement: JAK3 is on the minus strand). VCF-style: chr19-17841677-C-T. GRCh37 (hg19) VCF-style: chr19-17952486-C-T.
Other names: short protein forms R316H.
Identifiers: ClinVar variation 857073 (VCV000857073.7), dbSNP rs778229078, ClinGen allele CA9302026.